The following is an entry in ClinVar:

NC_000001.11:g.230710439C>A

Gene: AGT (angiotensinogen; minus strand). Cytogenetic location: 1q42.2.
Variant type: single nucleotide variant.
Genome position: GRCh38 VCF-style: chr1-230710439-C-A. GRCh37 (hg19) VCF-style: chr1-230846185-C-A.
Other names: NM_000029.3:c.412G>T; NM_000029.4:c.412G>T; c.385G>T (NM_001384479.1).
Identifiers: ClinVar variation 296084 (VCV000296084.10), dbSNP rs61762539, ClinGen allele CA1448306.

ClinVar aggregate classification (germline): Uncertain significance. Review status: criteria provided, multiple submitters, no conflicts (2 of 4 stars). 5 submissions from 4 submitters: Uncertain significance (5). Last evaluated 2024-04-04.

Conditions:
Essential hypertension, genetic (EHT). Identifiers: MedGen CN305331, MONDO:0007781, OMIM 145500.
Renal tubular dysgenesis of genetic origin. Also called: PRIMITIVE RENAL TUBULE SYNDROME. Identifiers: Orphanet 97369, MedGen C5681536, MONDO:0009970, OMIM 267430.
Renal tubular dysgenesis. Also called: Renotubular dysgenesis. Identifiers: Orphanet 3033, MedGen C0266313, MONDO:0017609, HP:0008660.

Allele frequency attached by ClinVar (database versions not stated): ExAC 0.00016; gnomAD exomes 0.00018 and 0.00023; gnomAD 0.00021; TOPMed 0.00023; 1000 Genomes Project 30x 0.00031; 1000 Genomes Project 0.00040.
gnomAD v4.1: 367 of 1,614,224 alleles (0.023%); highest among the groups gnomAD compares: Middle Eastern, 0.066%; no homozygotes.

Submissions (5):

Fulgent Genetics
Classification: Uncertain significance for Renal tubular dysgenesis of genetic origin. Last evaluated: 2024-04-04. Review status: criteria provided, single submitter. Criteria: ACMG Guidelines, 2015. Collection method: clinical testing. Allele origin: germline.

Labcorp Genetics (formerly Invitae), Labcorp
Classification: Uncertain significance. Last evaluated: 2022-06-17. Review status: criteria provided, single submitter. Criteria: Invitae Variant Classification Sherloc (09022015). Collection method: clinical testing. Allele origin: germline.
Comment: This sequence change replaces alanine, which is neutral and non-polar, with serine, which is neutral and polar, at codon 138 of the AGT protein (p.Ala138Ser). This variant is present in population databases (rs61762539, gnomAD 0.03%). This variant has not been reported in the literature in individuals affected with AGT-related conditions. ClinVar contains an entry for this variant (Variation ID: 296084). Algorithms developed to predict the effect of missense changes on protein structure and function (SIFT, PolyPhen-2, Align-GVGD) all suggest that this variant is likely to be tolerated. Algorithms developed to predict the effect of sequence changes on RNA splicing suggest that this variant may create or strengthen a splice site. In summary, the available evidence is currently insufficient to determine the role of this variant in disease. Therefore, it has been classified as a Variant of Uncertain Significance.

Fulgent Genetics
Classification: Uncertain significance for Essential hypertension, genetic; Renal tubular dysgenesis of genetic origin. Last evaluated: 2022-05-25. Review status: criteria provided, single submitter. Criteria: ACMG Guidelines, 2015. Collection method: clinical testing. Allele origin: unknown.

Illumina Laboratory Services, Illumina
Classification: Uncertain significance for Renal tubular dysgenesis of genetic origin. Last evaluated: 2018-01-13. Review status: criteria provided, single submitter. Criteria: ICSL Variant Classification Criteria 13 December 2019. Collection method: clinical testing. Allele origin: germline.

Breakthrough Genomics
Classification: Uncertain significance. Review status: criteria provided, single submitter. Criteria: ACMG Guidelines, 2015. Collection method: not provided. Allele origin: germline. Inheritance: Autosomal recessive inheritance. Affected: yes.